The following is an entry in ClinVar:

ClinVar aggregate classification (germline): Uncertain significance (1 of 4 stars; one submission).

Conditions:
Combined immunodeficiency due to STIM1 deficiency. Also called: STIM1 DEFICIENCY; IMMUNODEFICIENCY 10. Identifiers: Orphanet 169090, Orphanet 317430, MedGen C2748557, MONDO:0013008, OMIM 612783.
Stormorken syndrome (STRMK). Also called: THROMBOCYTOPATHY, ASPLENIA, AND MIOSIS. Identifiers: Orphanet 3204, MedGen C1861451, MONDO:0008497, OMIM 185070.
Myopathy with tubular aggregates (TAM). Also called: Tubular Aggregate Myopathy. Identifiers: Orphanet 2593, MedGen C0410207, MONDO:0008051.

Allele frequency attached by ClinVar (database versions not stated): gnomAD exomes below 0.00001; TOPMed below 0.00001.
gnomAD v4.1: 3 of 1,614,188 alleles (0.00019%); highest among the groups gnomAD compares: Non-Finnish European, 0.00017%; no homozygotes.

Submission:

Labcorp Genetics (formerly Invitae), Labcorp
Classification: Uncertain significance for Myopathy with tubular aggregates; Combined immunodeficiency due to STIM1 deficiency; Stormorken syndrome. Last evaluated: 2022-11-01. Review status: criteria provided, single submitter. Criteria: Invitae Variant Classification Sherloc (09022015). Collection method: clinical testing. Allele origin: germline.
Comment: In summary, the available evidence is currently insufficient to determine the role of this variant in disease. Therefore, it has been classified as a Variant of Uncertain Significance. Advanced modeling of protein sequence and biophysical properties (such as structural, functional, and spatial information, amino acid conservation, physicochemical variation, residue mobility, and thermodynamic stability) performed at Invitae indicates that this missense variant is not expected to disrupt STIM1 protein function. This variant has not been reported in the literature in individuals affected with STIM1-related conditions. This variant is not present in population databases (gnomAD no frequency). This sequence change replaces asparagine, which is neutral and polar, with serine, which is neutral and polar, at codon 467 of the STIM1 protein (p.Asn467Ser).

NM_001382567.1(STIM1):c.1400A>G (p.Asn467Ser)

Gene: STIM1 (stromal interaction molecule 1; plus strand). Cytogenetic location: 11p15.4.
Variant type: single nucleotide variant.
Coding change: c.1400A>G on transcript NM_001382567.1 (MANE Select); coding-DNA position 1400, A replaced by G.
Protein change: p.Asn467Ser; replaces asparagine 467 with serine.
Molecular consequence: missense variant. On other transcripts: non-coding transcript variant (2).
Genome position (GRCh38, 1-based): chr11:4,083,424, A>G. VCF-style: chr11-4083424-A-G. GRCh37 (hg19) VCF-style: chr11-4104654-A-G.
Other names: c.1178A>G, p.Asn393Ser (NM_001382575.1, NM_001382576.1, NM_001382577.1 and 4 more transcripts); c.911A>G, p.Asn304Ser (NM_001382580.1, NM_001382581.1); c.1400A>G, p.Asn467Ser (NM_003156.4, NM_001277961.3, NM_001277962.2); c.1421A>G, p.Asn474Ser (NM_001382568.1); c.1265A>G, p.Asn422Ser (NM_001382569.1); c.1172A>G, p.Asn391Ser (NM_001382570.1); c.920A>G, p.Asn307Ser (NM_001382571.1); short protein forms N422S, N467S, N307S, N304S, N391S, N393S, N474S.
Identifiers: ClinVar variation 2932903 (VCV002932903.3), dbSNP rs2094475655, ClinGen allele CA379194384.
Genomic context (GRCh38, chr11:4,083,424, plus strand): 5'-TCCACTCACTGGTGGCTGCCCTCAACATAGACCCCAGCTGGATGGGCAGTACACGCCCCA[A>G]CCCTGCTCACTTCATCATGACTGACGACGTGGATGACATGGATGAGGAGATTGTGTCTCC-3'
Protein context (NP_001369496.1, residues 457-477): DPSWMGSTRP[Asn467Ser]PAHFIMTDDV